The following is an entry in ClinVar:

ClinVar aggregate classification (germline): Uncertain significance (1 of 4 stars; one submission).

Submission:

GeneDx
Classification: Uncertain significance. Last evaluated: 2025-06-05. Review status: criteria provided, single submitter. Criteria: GeneDx Variant Classification Process June 2021. Collection method: clinical testing. Allele origin: germline. Affected: yes.
Comment: Not observed in large population cohorts (gnomAD); In silico analysis supports that this missense variant does not alter protein structure/function; Has not been previously published as pathogenic or benign to our knowledge

NM_006796.3(AFG3L2):c.769A>G (p.Met257Val)

Gene: AFG3L2 (AFG3 like matrix AAA peptidase subunit 2; minus strand). Cytogenetic location: 18p11.21.
Variant type: single nucleotide variant.
Coding change: c.769A>G on transcript NM_006796.3 (MANE Select); coding-DNA position 769, A replaced by G.
Protein change: p.Met257Val; replaces methionine 257 with valine.
Molecular consequence: missense variant.
Genome position (GRCh38, 1-based): chr18:12,358,927, T>C on the plus strand (A>G on the coding strand, the complement: AFG3L2 is on the minus strand). VCF-style: chr18-12358927-T-C. GRCh37 (hg19) VCF-style: chr18-12358926-T-C.
Other names: short protein forms M257V.
Identifiers: ClinVar variation 4536240 (VCV004536240.1).
Genomic context (GRCh38, chr18:12,358,927, plus strand): 5'-CAGCAGGCCCTCTTCTGATGGTGTAGAGCAAGAAGGCGATGATGAGCACCGTAGGCAGCA[T>C]GCTCAGCAGAAAAGAGCTGGGGACACACAGCGCAACACGGGTTAGGACTGGCTGCTCACC-3'
Protein context (NP_006787.2, residues 247-267): AESDGSFLLS[Met257Val]LPTVLIIAFL